The following is an entry in ClinVar:

NM_001276345.2(TNNT2):c.294+4A>C

Gene: TNNT2 (troponin T2, cardiac type; minus strand). Cytogenetic location: 1q32.1.
Variant type: single nucleotide variant.
Coding change: c.294+4A>C on transcript NM_001276345.2 (MANE Select); 4 bases into the intron after coding-DNA position 294, A replaced by C.
Molecular consequence: intron variant.
Genome position (GRCh38, 1-based): chr1:201,365,606, T>G on the plus strand (A>C on the coding strand, the complement: TNNT2 is on the minus strand). VCF-style: chr1-201365606-T-G. GRCh37 (hg19) VCF-style: chr1-201334734-T-G.
Other names: c.264+4A>C (NM_001406727.1, NM_001406724.1, NM_001001431.3 and 3 more transcripts); c.249+4A>C (NM_001001432.3, NM_001406728.1); c.261+4A>C (NM_001406725.1); c.291+4A>C (NM_001276346.2); c.294+4A>C (NM_000364.4, NM_001406723.1).
Identifiers: ClinVar variation 3232326 (VCV003232326.1), dbSNP rs2527024715, ClinGen allele CA2825000863.

ClinVar aggregate classification (germline): Uncertain significance (1 of 4 stars; one submission).

Conditions:
Cardiovascular phenotype. Identifiers: MedGen CN230736.

Submission:

Ambry Genetics
Classification: Uncertain significance for Cardiovascular phenotype. Last evaluated: 2024-01-09. Review status: criteria provided, single submitter. Criteria: Ambry Variant Classification Scheme 2023. Collection method: clinical testing. Allele origin: germline.
Comment: The c.264+4A>C intronic variant results from an A to C substitution 4 nucleotides after coding exon 7 in the TNNT2 gene. This nucleotide position is highly conserved in available vertebrate species. In silico splice site analysis predicts that this alteration may result in the creation or strengthening of a novel splice donor site. Since supporting evidence is limited at this time, the clinical significance of this alteration remains unclear.